The following is an entry in ClinVar:

NM_001129.5(AEBP1):c.2060C>A (p.Ala687Glu)

Gene: AEBP1 (AE binding protein 1; plus strand). Cytogenetic location: 7p13.
Variant type: single nucleotide variant.
Coding change: c.2060C>A on transcript NM_001129.5 (MANE Select); coding-DNA position 2060, C replaced by A.
Protein change: p.Ala687Glu; replaces alanine 687 with glutamic acid.
Molecular consequence: missense variant.
Genome position (GRCh38, 1-based): chr7:44,112,164, C>A. VCF-style: chr7-44112164-C-A. GRCh37 (hg19) VCF-style: chr7-44151763-C-A.
Other names: short protein forms A687E.
Identifiers: ClinVar variation 1931109 (VCV001931109.2), dbSNP rs934991572, ClinGen allele CA157881923.

ClinVar aggregate classification (germline): Uncertain significance (1 of 4 stars; one submission).

Allele frequency attached by ClinVar (database versions not stated): TOPMed 0.00002.
gnomAD v4.1: 2 of 1,600,880 alleles (0.00012%); highest among the groups gnomAD compares: African/African-American, 0.0013%; no homozygotes.

Submission:

Labcorp Genetics (formerly Invitae), Labcorp
Classification: Uncertain significance. Last evaluated: 2022-08-20. Review status: criteria provided, single submitter. Criteria: Invitae Variant Classification Sherloc (09022015). Collection method: clinical testing. Allele origin: germline.
Comment: This sequence change replaces alanine, which is neutral and non-polar, with glutamic acid, which is acidic and polar, at codon 687 of the AEBP1 protein (p.Ala687Glu). The frequency data for this variant in the population databases is considered unreliable, as metrics indicate poor data quality at this position in the gnomAD database. This variant has not been reported in the literature in individuals affected with AEBP1-related conditions. Algorithms developed to predict the effect of missense changes on protein structure and function are either unavailable or do not agree on the potential impact of this missense change (SIFT: "Deleterious"; PolyPhen-2: "Possibly Damaging"; Align-GVGD: "Class C0"). In summary, the available evidence is currently insufficient to determine the role of this variant in disease. Therefore, it has been classified as a Variant of Uncertain Significance.